The following is an entry in ClinVar:

ClinVar aggregate classification (germline): Uncertain significance. Review status: criteria provided, multiple submitters, no conflicts (2 of 4 stars). 3 submissions from 3 submitters: Uncertain significance (3). Last evaluated 2025-08-04.

Conditions:
Cardiovascular phenotype. Identifiers: MedGen CN230736.
Hypertrophic cardiomyopathy. Also called: HYPERTROPHIC MYOCARDIOPATHY. Identifiers: Orphanet 217569, MedGen C0007194, MeSH D002312, MONDO:0005045, HP:0001639.

gnomAD v4.1: 2 of 1,591,724 alleles (0.00013%); highest among the groups gnomAD compares: Non-Finnish European, 0.00017%; no homozygotes.

Submissions (3):

GeneDx
Classification: Uncertain significance. Last evaluated: 2025-08-04. Review status: criteria provided, single submitter. Criteria: GeneDx Variant Classification Process June 2021. Collection method: clinical testing. Allele origin: germline. Affected: yes.
Comment: Not observed at significant frequency in large population cohorts (gnomAD); In silico analysis supports that this missense variant has a deleterious effect on protein structure/function; Has not been previously published as pathogenic or benign to our knowledge

Ambry Genetics
Classification: Uncertain significance for Cardiovascular phenotype. Last evaluated: 2025-04-20. Review status: criteria provided, single submitter. Criteria: Ambry Variant Classification Scheme 2023. Collection method: clinical testing. Allele origin: germline.
Comment: The p.S297L variant (also known as c.890C>T), located in coding exon 9 of the MYBPC3 gene, results from a C to T substitution at nucleotide position 890. The serine at codon 297 is replaced by leucine, an amino acid with dissimilar properties. This amino acid position is conserved. In addition, this alteration is predicted to be tolerated by in silico analysis. Based on the available evidence, the clinical significance of this variant remains unclear.

Labcorp Genetics (formerly Invitae), Labcorp
Classification: Uncertain significance for Hypertrophic cardiomyopathy. Last evaluated: 2022-11-07. Review status: criteria provided, single submitter. Criteria: Invitae Variant Classification Sherloc (09022015). Collection method: clinical testing. Allele origin: germline.
Comment: In summary, the available evidence is currently insufficient to determine the role of this variant in disease. Therefore, it has been classified as a Variant of Uncertain Significance. Algorithms developed to predict the effect of missense changes on protein structure and function are either unavailable or do not agree on the potential impact of this missense change (SIFT: "Deleterious"; PolyPhen-2: "Benign"; Align-GVGD: "Class C0"). This variant has not been reported in the literature in individuals affected with MYBPC3-related conditions. This variant is not present in population databases (gnomAD no frequency). This sequence change replaces serine, which is neutral and polar, with leucine, which is neutral and non-polar, at codon 297 of the MYBPC3 protein (p.Ser297Leu).

NM_000256.3(MYBPC3):c.890C>T (p.Ser297Leu)

Gene: MYBPC3 (myosin binding protein C3; minus strand). Cytogenetic location: 11p11.2.
Variant type: single nucleotide variant.
Coding change: c.890C>T on transcript NM_000256.3 (MANE Select); coding-DNA position 890, C replaced by T.
Protein change: p.Ser297Leu; replaces serine 297 with leucine.
Molecular consequence: missense variant.
Genome position (GRCh38, 1-based): chr11:47,347,441, G>A on the plus strand (C>T on the coding strand, the complement: MYBPC3 is on the minus strand). VCF-style: chr11-47347441-G-A. GRCh37 (hg19) VCF-style: chr11-47368992-G-A.
Other names: short protein forms S297L.
Identifiers: ClinVar variation 2917165 (VCV002917165.3), dbSNP rs2142865199, ClinGen allele CA380333236.